The following is an entry in ClinVar:

ClinVar aggregate classification (germline): Uncertain significance (1 of 4 stars; one submission).

Conditions:
Inborn genetic diseases. Identifiers: MedGen C0950123, MeSH D030342.

Submission:

Ambry Genetics
Classification: Uncertain significance for Inborn genetic diseases. Last evaluated: 2026-04-07. Review status: criteria provided, single submitter. Criteria: Ambry Variant Classification Scheme 2023. Collection method: clinical testing. Allele origin: germline.
Comment: The c.2498G>C (p.S833T) alteration is located in exon 16 (coding exon 14) of the SCN3A gene. This alteration results from a G to C substitution at nucleotide position 2498, causing the serine (S) at amino acid position 833 to be replaced by a threonine (T). This variant was not reported in population-based cohorts in the Genome Aggregation Database (gnomAD). This amino acid position is well conserved in available vertebrate species. This missense variant is located in a region that has a low rate of benign missense variation (Lek, 2016; Firth, 2009). The in silico prediction for this alteration is inconclusive. Based on insufficient or conflicting evidence, the clinical significance of this alteration remains unclear.

NM_006922.4(SCN3A):c.2498G>C (p.Ser833Thr)

Gene: SCN3A (sodium voltage-gated channel alpha subunit 3; minus strand). Cytogenetic location: 2q24.3.
Variant type: single nucleotide variant.
Coding change: c.2498G>C on transcript NM_006922.4 (MANE Select); coding-DNA position 2498, G replaced by C.
Protein change: p.Ser833Thr; replaces serine 833 with threonine.
Molecular consequence: missense variant.
Genome position (GRCh38, 1-based): chr2:165,131,311, C>G on the plus strand (G>C on the coding strand, the complement: SCN3A is on the minus strand). VCF-style: chr2-165131311-C-G. GRCh37 (hg19) VCF-style: chr2-165987821-C-G.
Other names: c.2351G>C, p.Ser784Thr (NM_001081676.2, NM_001081677.2); short protein forms S784T, S833T.
Identifiers: ClinVar variation 4864140 (VCV004864140.1).